The following is an entry in ClinVar:

ClinVar aggregate classification (germline): Uncertain significance. Review status: criteria provided, single submitter (1 of 4 stars). 2 submissions from 2 submitters: Uncertain significance (1). 1 of the submissions does not count toward it. Last evaluated 2026-01-25.

Conditions:
Hereditary pancreatitis (PCTT). Also called: Hereditary chronic pancreatitis; PRSS1-Related Hereditary Pancreatitis. Identifiers: Orphanet 676, MedGen C0238339, MONDO:0008185, OMIM 167800.

Allele frequency attached by ClinVar (database versions not stated): gnomAD exomes below 0.00001.
gnomAD v4.1: 3 of 1,613,676 alleles (0.00019%); highest among the groups gnomAD compares: Non-Finnish European, 0.00017%; no homozygotes.

Submissions (2):

Labcorp Genetics (formerly Invitae), Labcorp
Classification: Uncertain significance for Hereditary pancreatitis. Last evaluated: 2026-01-25. Review status: criteria provided, single submitter. Criteria: Invitae Variant Classification Sherloc (09022015). Collection method: clinical testing. Allele origin: germline.
Comment: This sequence change replaces leucine, which is neutral and non-polar, with arginine, which is basic and polar, at codon 14 of the SPINK1 protein (p.Leu14Arg). This variant is not present in population databases (gnomAD no frequency). This missense change has been observed in individual(s) with hereditary pancreatitis (PMID: 17274009, 22427236). ClinVar contains an entry for this variant (Variation ID: 13765). An algorithm developed to predict the effect of missense changes on protein structure and function (PolyPhen-2) suggests that this variant is likely to be disruptive. Experimental studies have shown that this missense change affects SPINK1 function (PMID: 17274009, 28994706). In summary, the available evidence is currently insufficient to determine the role of this variant in disease. Therefore, it has been classified as a Variant of Uncertain Significance.

OMIM
Classification: Pathogenic for PANCREATITIS, CHRONIC. Last evaluated: 2007-05-01. Review status: no assertion criteria provided. Collection method: literature only. Allele origin: germline. Not counted in ClinVar's aggregate classification.

Literature cited by the submitters: PubMed 17274009 (cited by Labcorp Genetics (formerly Invitae), Labcorp and OMIM); PubMed 22427236 (cited by Labcorp Genetics (formerly Invitae), Labcorp); PubMed 28994706 (cited by Labcorp Genetics (formerly Invitae), Labcorp).

NM_001379610.1(SPINK1):c.41T>G (p.Leu14Arg)

Gene: SPINK1 (serine peptidase inhibitor Kazal type 1; minus strand). Cytogenetic location: 5q32.
Variant type: single nucleotide variant.
Coding change: c.41T>G on transcript NM_001379610.1 (MANE Select); coding-DNA position 41, T replaced by G.
Protein change: p.Leu14Arg; replaces leucine 14 with arginine.
Molecular consequence: missense variant.
Genome position (GRCh38, 1-based): chr5:147,831,537, A>C on the plus strand (T>G on the coding strand, the complement: SPINK1 is on the minus strand). VCF-style: chr5-147831537-A-C. GRCh37 (hg19) VCF-style: chr5-147211100-A-C.
Other names: c.41T>G, p.Leu14Arg (NM_001354966.2, NM_003122.5); short protein forms L14R.
Identifiers: ClinVar variation 13765 (VCV000013765.3), dbSNP rs104893939, ClinGen allele CA256962.
Genomic context (GRCh38, chr5:147,831,537, plus strand): 5'-AGGTCAAAACAGTTTTATTTAAATTTGAAAAATATGCAACACTTACCAGATAGACTCAAC[A>C]GGGCCAAGGCACTGAGAAGAAAGATGCCTGTTACCTTCATGGCTGAAGTTCTGCGTCCAG-3'
Protein context (NP_001366539.1, residues 4-24): TGIFLLSALA[Leu14Arg]LSLSGNTGAD